The following is an entry in ClinVar:

ClinVar aggregate classification (germline): Uncertain significance. Review status: criteria provided, multiple submitters, no conflicts (2 of 4 stars). 2 submissions from 2 submitters: Uncertain significance (2). Last evaluated 2025-11-19.

Conditions:
Inborn genetic diseases. Identifiers: MedGen C0950123, MeSH D030342.

Allele frequency attached by ClinVar (database versions not stated): gnomAD 0.00004; TOPMed 0.00005; ESP Exome Variant Server 0.00008; 1000 Genomes Project 30x 0.00016; 1000 Genomes Project 0.00020; gnomAD exomes 0.00004; ExAC 0.00007.

Submissions (2):

Ambry Genetics
Classification: Uncertain significance for Inborn genetic diseases. Last evaluated: 2025-11-19. Review status: criteria provided, single submitter. Criteria: Ambry Variant Classification Scheme 2023. Collection method: clinical testing. Allele origin: germline.

Labcorp Genetics (formerly Invitae), Labcorp
Classification: Uncertain significance. Last evaluated: 2024-07-30. Review status: criteria provided, single submitter. Criteria: Invitae Variant Classification Sherloc (09022015). Collection method: clinical testing. Allele origin: germline.
Comment: This sequence change replaces glutamic acid, which is acidic and polar, with lysine, which is basic and polar, at codon 706 of the TCIRG1 protein (p.Glu706Lys). This variant is present in population databases (rs200160870, gnomAD 0.02%). This variant has not been reported in the literature in individuals affected with TCIRG1-related conditions. ClinVar contains an entry for this variant (Variation ID: 1478139). An algorithm developed to predict the effect of missense changes on protein structure and function outputs the following: PolyPhen-2: "Benign". The lysine amino acid residue is found in multiple mammalian species, which suggests that this missense change does not adversely affect protein function. In summary, the available evidence is currently insufficient to determine the role of this variant in disease. Therefore, it has been classified as a Variant of Uncertain Significance.

NM_006019.4(TCIRG1):c.2116G>A (p.Glu706Lys)

Gene: TCIRG1 (T cell immune regulator 1, ATPase H+ transporting V0 subunit a3; plus strand). Cytogenetic location: 11q13.2.
Variant type: single nucleotide variant.
Coding change: c.2116G>A on transcript NM_006019.4 (MANE Select); coding-DNA position 2116, G replaced by A.
Protein change: p.Glu706Lys; replaces glutamic acid 706 with lysine.
Molecular consequence: missense variant.
Genome position (GRCh38, 1-based): chr11:68,050,064, G>A. VCF-style: chr11-68050064-G-A. GRCh37 (hg19) VCF-style: chr11-67817531-G-A.
Other names: c.1222G>A, p.Glu408Lys (NM_001351059.2); c.1468G>A, p.Glu490Lys (NM_006053.4); c.2116G>A (NM_006019.3); short protein forms E490K, E706K, E408K.
Identifiers: ClinVar variation 1478139 (VCV001478139.6), dbSNP rs200160870, ClinGen allele CA6147385.